The following is an entry in ClinVar:

ClinVar aggregate classification (germline): Likely benign. Review status: criteria provided, multiple submitters, no conflicts (2 of 4 stars). 4 submissions from 4 submitters: Likely benign (4). Last evaluated 2025-12-08.

Conditions:
Hereditary cancer-predisposing syndrome. Also called: Tumor predisposition; Hereditary Cancer Syndrome; Hereditary neoplastic syndrome; Neoplastic Syndromes, Hereditary. Identifiers: Orphanet 140162, MedGen C0027672, MeSH D009386, MONDO:0015356.
POLD1-related polyposis and colorectal cancer syndrome (CRCS10). Also called: Colorectal cancer 10; COLORECTAL CANCER, SUSCEPTIBILITY TO, ON CHROMOSOME 19q; Colorectal cancer, susceptibility to, 10. Identifiers: Orphanet 220460, MedGen C2675481, MONDO:0012953, OMIM 612591.

Allele frequency attached by ClinVar (database versions not stated): gnomAD exomes below 0.00001; gnomAD 0.00001; TOPMed 0.00001.
gnomAD v4.1: 2 of 1,565,086 alleles (0.00013%); highest among the groups gnomAD compares: African/African-American, 0.0013%; no homozygotes.

Submissions (4):

Labcorp Genetics (formerly Invitae), Labcorp
Classification: Likely benign for POLD1-related polyposis and colorectal cancer syndrome. Last evaluated: 2025-12-08. Review status: criteria provided, single submitter. Criteria: Invitae Variant Classification Sherloc (09022015). Collection method: clinical testing. Allele origin: germline.

GeneDx
Classification: Likely benign. Last evaluated: 2020-10-12. Review status: criteria provided, single submitter. Criteria: GeneDx Variant Classification Process June 2021. Collection method: clinical testing. Allele origin: germline. Affected: yes.
Comment: This variant is associated with the following publications: (PMID: 25303977)

Genetic Services Laboratory, University of Chicago
Classification: Likely benign. Last evaluated: 2019-12-20. Review status: criteria provided, single submitter. Criteria: ACMG Guidelines, 2015. Collection method: clinical testing. Allele origin: germline. Affected: no.

Ambry Genetics
Classification: Likely benign for Hereditary cancer-predisposing syndrome. Last evaluated: 2019-04-16. Review status: criteria provided, single submitter. Criteria: Ambry Variant Classification Scheme 2023. Collection method: clinical testing. Allele origin: germline.

NM_002691.4(POLD1):c.2781C>T (p.Ile927=)

Gene: POLD1 (DNA polymerase delta 1, catalytic subunit; plus strand). Cytogenetic location: 19q13.33.
Variant type: single nucleotide variant.
Coding change: c.2781C>T on transcript NM_002691.4 (MANE Select); coding-DNA position 2781, C replaced by T.
Protein change: p.Ile927=; no amino-acid change (isoleucine 927 retained).
Molecular consequence: synonymous variant.
Genome position (GRCh38, 1-based): chr19:50,415,787, C>T. VCF-style: chr19-50415787-C-T. GRCh37 (hg19) VCF-style: chr19-50919044-C-T.
Other names: c.2781C>T, p.Ile927= (NM_001256849.1, LRG_785t1); c.2859C>T, p.Ile953= (NM_001308632.1, LRG_785t2).
Identifiers: ClinVar variation 512961 (VCV000512961.19), dbSNP rs1429621911, ClinGen allele CA508305143.